The following is an entry in ClinVar:

ClinVar aggregate classification (germline): Uncertain significance. Review status: criteria provided, multiple submitters, no conflicts (2 of 4 stars). 2 submissions from 2 submitters: Uncertain significance (2). Last evaluated 2026-02-01.

Conditions:
Inborn genetic diseases. Identifiers: MedGen C0950123, MeSH D030342.

gnomAD v4.1: 1 of 1,614,156 alleles (0.000062%); highest among the groups gnomAD compares: East Asian, 0.0022%; no homozygotes.

Submissions (2):

Labcorp Genetics (formerly Invitae), Labcorp
Classification: Uncertain significance. Last evaluated: 2026-02-01. Review status: criteria provided, single submitter. Criteria: Invitae Variant Classification Sherloc (09022015). Collection method: clinical testing. Allele origin: germline.
Comment: This sequence change replaces lysine, which is basic and polar, with glutamic acid, which is acidic and polar, at codon 2439 of the FLNB protein (p.Lys2439Glu). This variant is present in population databases (rs778288717, gnomAD 0.006%). This variant has not been reported in the literature in individuals affected with FLNB-related conditions. ClinVar contains an entry for this variant (Variation ID: 3515913). Invitae Evidence Modeling of protein sequence and biophysical properties (such as structural, functional, and spatial information, amino acid conservation, physicochemical variation, residue mobility, and thermodynamic stability) indicates that this missense variant is not expected to disrupt FLNB protein function with a negative predictive value of 95%. In summary, the available evidence is currently insufficient to determine the role of this variant in disease. Therefore, it has been classified as a Variant of Uncertain Significance.

Ambry Genetics
Classification: Uncertain significance for Inborn genetic diseases. Last evaluated: 2024-08-05. Review status: criteria provided, single submitter. Criteria: Ambry Variant Classification Scheme 2023. Collection method: clinical testing. Allele origin: germline.

NM_001457.4(FLNB):c.7315A>G (p.Lys2439Glu)

Genes: FLNB (filamin B; plus strand), FLNB-AS1 (FLNB antisense RNA 1; minus strand). Cytogenetic location: 3p14.3.
Variant type: single nucleotide variant.
Coding change: c.7315A>G on transcript NM_001457.4 (MANE Select); coding-DNA position 7315, A replaced by G.
Protein change: p.Lys2439Glu; replaces lysine 2439 with glutamic acid.
Molecular consequence: missense variant.
Genome position (GRCh38, 1-based): chr3:58,168,556, A>G. VCF-style: chr3-58168556-A-G. GRCh37 (hg19) VCF-style: chr3-58154283-A-G.
Other names: c.7408A>G, p.Lys2470Glu (NM_001164317.2); c.7282A>G, p.Lys2428Glu (NM_001164318.2); c.7243A>G, p.Lys2415Glu (NM_001164319.2); short protein forms K2415E, K2439E, K2428E, K2470E.
Identifiers: ClinVar variation 3515913 (VCV003515913.3).